The following is an entry in ClinVar:

NM_000371.4(TTR):c.158T>G (p.Phe53Cys)

Gene: TTR (transthyretin; plus strand). Cytogenetic location: 18q12.1.
Variant type: single nucleotide variant.
Coding change: c.158T>G on transcript NM_000371.4 (MANE Select); coding-DNA position 158, T replaced by G.
Protein change: p.Phe53Cys; replaces phenylalanine 53 with cysteine.
Molecular consequence: missense variant.
Genome position (GRCh38, 1-based): chr18:31,592,984, T>G. VCF-style: chr18-31592984-T-G. GRCh37 (hg19) VCF-style: chr18-29172947-T-G.
Other names: p.Phe53Cys; short protein forms F53C.
Identifiers: ClinVar variation 3723125 (VCV003723125.3).

ClinVar aggregate classification (germline): Pathogenic/Likely pathogenic. Review status: criteria provided, multiple submitters, no conflicts (2 of 4 stars). 2 submissions from 2 submitters: Pathogenic (1); Likely pathogenic (1). Last evaluated 2025-09-04.

Conditions:
Amyloidosis, hereditary systemic 1 (AMYLD1). Also called: Familial amyloid polyneuropathy; Transthyretin Amyloidosis; Hereditary oculoleptomeningeal amyloid angiopathy; Familial Transthyretin Amyloidosis; Isolated Cardiac Amyloidosis; Amyloid Cardiomyopathy, Transthyretin-related. Identifiers: Orphanet 85447, Orphanet 85451, MedGen C2751492, MONDO:0971004, OMIM 105210.

Submissions (2):

Mayo Clinic Laboratories, Mayo Clinic
Classification: Pathogenic. Last evaluated: 2025-09-04. Review status: criteria provided, single submitter. Criteria: ACMG Guidelines, 2015. Collection method: clinical testing. Allele origin: germline. Observed: 1 variant allele.
Comment: PP3_moderate, PP4, PM1, PM2_supporting, PM5, PS4

Labcorp Genetics (formerly Invitae), Labcorp
Classification: Likely pathogenic for Amyloidosis, hereditary systemic 1. Last evaluated: 2024-05-09. Review status: criteria provided, single submitter. Criteria: Invitae Variant Classification Sherloc (09022015). Collection method: clinical testing. Allele origin: germline.
Comment: This sequence change replaces phenylalanine, which is neutral and non-polar, with cysteine, which is neutral and slightly polar, at codon 53 of the TTR protein (p.Phe53Cys). This variant is not present in population databases (gnomAD no frequency). This missense change has been observed in individual(s) with hereditary transthyretin-mediated amyloidosis (PMID: 12876326, 14640030, 26656838). This variant is also known as Phe33Cys. Advanced modeling of protein sequence and biophysical properties (such as structural, functional, and spatial information, amino acid conservation, physicochemical variation, residue mobility, and thermodynamic stability) performed at Invitae indicates that this missense variant is expected to disrupt TTR protein function with a positive predictive value of 95%. This variant disrupts the p.Phe53 amino acid residue in TTR. Other variant(s) that disrupt this residue have been determined to be pathogenic (PMID: 1932142, 2046936, 9798666, 17503405, 20209591, 23713495). This suggests that this residue is clinically significant, and that variants that disrupt this residue are likely to be disease-causing. In summary, the currently available evidence indicates that the variant is pathogenic, but additional data are needed to prove that conclusively. Therefore, this variant has been classified as Likely Pathogenic.

Literature cited by the submitters: PubMed 12876326 (cited by Mayo Clinic Laboratories, Mayo Clinic and Labcorp Genetics (formerly Invitae), Labcorp); PubMed 14640030 (cited by Mayo Clinic Laboratories, Mayo Clinic and Labcorp Genetics (formerly Invitae), Labcorp); PubMed 26656838 (cited by Mayo Clinic Laboratories, Mayo Clinic and Labcorp Genetics (formerly Invitae), Labcorp); PubMed 27540044 (cited by Mayo Clinic Laboratories, Mayo Clinic); PubMed 39470417 (cited by Mayo Clinic Laboratories, Mayo Clinic); PubMed 39775625 (cited by Mayo Clinic Laboratories, Mayo Clinic); PubMed 1932142 (cited by Labcorp Genetics (formerly Invitae), Labcorp); PubMed 2046936 (cited by Labcorp Genetics (formerly Invitae), Labcorp); PubMed 9798666 (cited by Labcorp Genetics (formerly Invitae), Labcorp); PubMed 17503405 (cited by Labcorp Genetics (formerly Invitae), Labcorp); PubMed 20209591 (cited by Labcorp Genetics (formerly Invitae), Labcorp); PubMed 23713495 (cited by Labcorp Genetics (formerly Invitae), Labcorp).